The following is an entry in ClinVar:

ClinVar aggregate classification (germline): Likely benign (1 of 4 stars; one submission).

Submission:

CeGaT Center for Human Genetics Tuebingen
Classification: Likely benign. Last evaluated: 2026-09-01. Review status: criteria provided, single submitter. Criteria: CeGaT Center For Human Genetics Tuebingen Variant Classification Criteria Version 2. Collection method: clinical testing. Allele origin: germline. Affected: yes. Observed: 1 variant allele.
Comment: ZNF626: PM2:Supporting, BP4, BP7

NM_001076675.3(ZNF626):c.1377C>A (p.Gly459=)

Gene: ZNF626 (zinc finger protein 626; minus strand). Cytogenetic location: 19p12.
Variant type: single nucleotide variant.
Coding change: c.1377C>A on transcript NM_001076675.3 (MANE Select); coding-DNA position 1377, C replaced by A.
Protein change: p.Gly459=; no amino-acid change (glycine 459 retained).
Molecular consequence: synonymous variant.
Genome position (GRCh38, 1-based): chr19:20,624,500, G>T on the plus strand (C>A on the coding strand, the complement: ZNF626 is on the minus strand). VCF-style: chr19-20624500-G-T. GRCh37 (hg19) VCF-style: chr19-20807306-G-T.
Identifiers: ClinVar variation 5041105 (VCV005041105.1).